The following is an entry in ClinVar:

NM_014363.6(SACS):c.5045G>A (p.Arg1682Lys)

Gene: SACS (sacsin molecular chaperone; minus strand). Cytogenetic location: 13q12.12.
Variant type: single nucleotide variant.
Coding change: c.5045G>A on transcript NM_014363.6 (MANE Select); coding-DNA position 5045, G replaced by A.
Protein change: p.Arg1682Lys; replaces arginine 1682 with lysine.
Molecular consequence: missense variant.
Genome position (GRCh38, 1-based): chr13:23,338,831, C>T on the plus strand (G>A on the coding strand, the complement: SACS is on the minus strand). VCF-style: chr13-23338831-C-T. GRCh37 (hg19) VCF-style: chr13-23912970-C-T.
Other names: c.4604G>A, p.Arg1535Lys (NM_001278055.2); c.5045G>A (NM_014363.4); short protein forms R1535K, R1682K.
Identifiers: ClinVar variation 841136 (VCV000841136.15), dbSNP rs1269546947, ClinGen allele CA387526829.

ClinVar aggregate classification (germline): Conflicting classifications of pathogenicity. Review status: criteria provided, conflicting classifications (1 of 4 stars). 5 submissions from 5 submitters: Uncertain significance (2); Likely benign (1). 2 of the submissions do not count toward it. Last evaluated 2025-04-04.

Conditions:
Spastic paraplegia. Identifiers: MedGen C0037772, HP:0001258.
Charlevoix-Saguenay spastic ataxia (SACS). Also called: SPASTIC ATAXIA 6, AUTOSOMAL RECESSIVE; AUTOSOMAL RECESSIVE SPASTIC ATAXIA OF CHARLEVOIX-SAGUENAY; Spastic ataxia of Charlevoix-Saguenay. Identifiers: Orphanet 98, MedGen C1849140, MONDO:0010041, OMIM 270550.
SACS-related disorder. Also called: SACS-related condition.
Inborn genetic diseases. Identifiers: MedGen C0950123, MeSH D030342.

Allele frequency attached by ClinVar (database versions not stated): gnomAD exomes below 0.00001 and 0.00001; gnomAD 0.00001; TOPMed 0.00001.

Submissions (5):

Ambry Genetics
Classification: Uncertain significance for Inborn genetic diseases. Last evaluated: 2025-04-04. Review status: criteria provided, single submitter. Criteria: Ambry Variant Classification Scheme 2023. Collection method: clinical testing. Allele origin: germline.

Labcorp Genetics (formerly Invitae), Labcorp
Classification: Likely benign for Spastic paraplegia. Last evaluated: 2023-11-19. Review status: criteria provided, single submitter. Criteria: Invitae Variant Classification Sherloc (09022015). Collection method: clinical testing. Allele origin: germline.

Greenwood Genetic Center Diagnostic Laboratories, Greenwood Genetic Center
Classification: Uncertain significance. Last evaluated: 2022-04-04. Review status: criteria provided, single submitter. Criteria: ACMG Guidelines, 2015. Collection method: clinical testing. Allele origin: germline. Affected: yes.
Comment: PM2

PreventionGenetics, part of Exact Sciences
Classification: Uncertain significance for SACS-related condition. Last evaluated: 2024-02-27. Review status: no assertion criteria provided. Collection method: clinical testing. Allele origin: germline. Not counted in ClinVar's aggregate classification.
Comment: The SACS c.5045G>A variant is predicted to result in the amino acid substitution p.Arg1682Lys. To our knowledge, this variant has not been reported in the literature. This variant is reported in 0.0050% of alleles in individuals of East Asian descent in gnomAD. At this time, the clinical significance of this variant is uncertain due to the absence of conclusive functional and genetic evidence.

Natera, Inc.
Classification: Uncertain significance for Charlevoix-Saguenay type spastic ataxia. Last evaluated: 2020-08-27. Review status: no assertion criteria provided. Collection method: clinical testing. Allele origin: germline. Not counted in ClinVar's aggregate classification.